The following is an entry in ClinVar:

ClinVar aggregate classification (germline): Uncertain significance (1 of 4 stars; one submission).

Allele frequency attached by ClinVar (database versions not stated): gnomAD exomes below 0.00001; TOPMed below 0.00001; gnomAD 0.00001.
gnomAD v4.1: 2 of 1,613,930 alleles (0.00012%); highest among the groups gnomAD compares: African/African-American, 0.0027%; no homozygotes.

Submission:

Greenwood Genetic Center Diagnostic Laboratories, Greenwood Genetic Center
Classification: Uncertain significance. Last evaluated: 2022-07-28. Review status: criteria provided, single submitter. Criteria: ACMG Guidelines, 2015. Collection method: clinical testing. Allele origin: germline. Affected: yes.
Comment: PM2

NM_001393769.1(MED12L):c.2154G>C (p.Lys718Asn)

Gene: MED12L (mediator complex subunit 12L; plus strand). Cytogenetic location: 3q25.1.
Variant type: single nucleotide variant.
Coding change: c.2154G>C on transcript NM_001393769.1 (MANE Select); coding-DNA position 2154, G replaced by C.
Protein change: p.Lys718Asn; replaces lysine 718 with asparagine.
Molecular consequence: missense variant.
Genome position (GRCh38, 1-based): chr3:151,193,570, G>C. VCF-style: chr3-151193570-G-C. GRCh37 (hg19) VCF-style: chr3-150911357-G-C.
Other names: c.2049G>C, p.Lys683Asn (NM_053002.6); short protein forms K683N, K718N.
Identifiers: ClinVar variation 1710467 (VCV001710467.3), dbSNP rs1242916912, ClinGen allele CA354961873.